The following is an entry in ClinVar:

NM_000193.4(SHH):c.479T>C (p.Met160Thr)

Gene: SHH (sonic hedgehog signaling molecule; minus strand). Cytogenetic location: 7q36.3.
Variant type: single nucleotide variant.
Coding change: c.479T>C on transcript NM_000193.4 (MANE Select); coding-DNA position 479, T replaced by C.
Protein change: p.Met160Thr; replaces methionine 160 with threonine.
Molecular consequence: missense variant. On other transcripts: non-coding transcript variant (2).
Genome position (GRCh38, 1-based): chr7:155,806,379, A>G on the plus strand (T>C on the coding strand, the complement: SHH is on the minus strand). VCF-style: chr7-155806379-A-G. GRCh37 (hg19) VCF-style: chr7-155599073-A-G.
Other names: c.218T>C, p.Met73Thr (NM_001310462.2); short protein forms M160T, M73T.
Identifiers: ClinVar variation 1402641 (VCV001402641.6), dbSNP rs747511798, ClinGen allele CA4587018.
Genomic context (GRCh38, chr7:155,806,379, plus strand): 5'-TGTGCCTTGGACTCGTAGTACACCCAGTCGAAGCCGGCCTCCACCGCCAGGCGGGCCAGC[A>G]TGCCGTACTTGCTGCGGTCGCGGTCAGACGTGGTGATGTCCACTGCGCGGCCCTCGTAGT-3'
Protein context (NP_000184.1, residues 150-170): TSDRDRSKYG[Met160Thr]LARLAVEAGF

ClinVar aggregate classification (germline): Uncertain significance (1 of 4 stars; one submission).

Conditions:
Holoprosencephaly 3 (HPE3). Identifiers: Orphanet 2162, MedGen C1840529, MONDO:0007733, OMIM 142945.

Allele frequency attached by ClinVar (database versions not stated): gnomAD 0.00001; TOPMed 0.00001; ExAC 0.00002; gnomAD exomes 0.00002.

Submission:

Labcorp Genetics (formerly Invitae), Labcorp
Classification: Uncertain significance for Holoprosencephaly 3. Last evaluated: 2021-08-28. Review status: criteria provided, single submitter. Criteria: Invitae Variant Classification Sherloc (09022015). Collection method: clinical testing. Allele origin: germline.
Comment: In summary, the available evidence is currently insufficient to determine the role of this variant in disease. Therefore, it has been classified as a Variant of Uncertain Significance. Algorithms developed to predict the effect of missense changes on protein structure and function are either unavailable or do not agree on the potential impact of this missense change (SIFT: "Tolerated"; PolyPhen-2: "Possibly Damaging"; Align-GVGD: "Class C0"). This variant has not been reported in the literature in individuals affected with SHH-related conditions. This variant is present in population databases (rs747511798, ExAC 0.02%). This sequence change replaces methionine with threonine at codon 160 of the SHH protein (p.Met160Thr). The methionine residue is highly conserved and there is a moderate physicochemical difference between methionine and threonine.